The following is an entry in ClinVar:

NM_001042545.2(LTBP4):c.301C>T (p.Arg101Cys)

Gene: LTBP4 (latent transforming growth factor beta binding protein 4; plus strand). Cytogenetic location: 19q13.2.
Variant type: single nucleotide variant.
Coding change: c.301C>T on transcript NM_001042545.2 (MANE Select); coding-DNA position 301, C replaced by T.
Protein change: p.Arg101Cys; replaces arginine 101 with cysteine.
Molecular consequence: missense variant.
Genome position (GRCh38, 1-based): chr19:40,605,085, C>T. VCF-style: chr19-40605085-C-T. GRCh37 (hg19) VCF-style: chr19-41110991-C-T.
Other names: c.502C>T, p.Arg168Cys (NM_001042544.1); c.391C>T, p.Arg131Cys (NM_003573.2); short protein forms R101C, R131C, R168C.
Identifiers: ClinVar variation 3373274 (VCV003373274.1).
Genomic context (GRCh38, chr19:40,605,085, plus strand): 5'-CTCCTCCCAGTCCTGTGTCCCTTGATCTGTCACAATGGCGGTGTGTGCGTGAAGCCTGAC[C>T]GCTGCCTCTGTCCCCCGGACTTCGCTGGCAAGTTCTGCCAGTTGCACTCCTCGGGCGCCC-3'
Protein context (NP_001036010.1, residues 91-111): HNGGVCVKPD[Arg101Cys]CLCPPDFAGK

ClinVar aggregate classification (germline): Uncertain significance (1 of 4 stars; one submission).

Submission:

GeneDx
Classification: Uncertain significance. Last evaluated: 2024-05-01. Review status: criteria provided, single submitter. Criteria: GeneDx Variant Classification Process June 2021. Collection method: clinical testing. Allele origin: germline. Affected: yes.
Comment: Not observed at significant frequency in large population cohorts (gnomAD); In silico analysis supports that this missense variant has a deleterious effect on protein structure/function; Has not been previously published as pathogenic or benign to our knowledge